The following is an entry in ClinVar:

ClinVar aggregate classification (germline): Uncertain significance. Review status: criteria provided, multiple submitters, no conflicts (2 of 4 stars). 3 submissions from 3 submitters: Uncertain significance (3). Last evaluated 2025-07-23.

Conditions:
Familial thoracic aortic aneurysm and aortic dissection (TAAD). Also called: Thoracic aortic aneurysms and dissections. Identifiers: Orphanet 91387, MedGen C4707243, MONDO:0019625.
Congenital contractural arachnodactyly (CCA). Also called: Beals-Hecht syndrome; BEALS SYNDROME; Arthrogryposis, distal, type 9. Identifiers: Orphanet 115, MedGen C0220668, MONDO:0007363, OMIM 121050.

Allele frequency attached by ClinVar (database versions not stated): gnomAD exomes below 0.00001; TOPMed below 0.00001.
gnomAD v4.1: 6 of 1,613,494 alleles (0.00037%); highest among the groups gnomAD compares: South Asian, 0.0011%; no homozygotes.

Submissions (3):

Labcorp Genetics (formerly Invitae), Labcorp
Classification: Uncertain significance for Congenital contractural arachnodactyly. Last evaluated: 2025-07-23. Review status: criteria provided, single submitter. Criteria: Invitae Variant Classification Sherloc (09022015). Collection method: clinical testing. Allele origin: germline.
Comment: This sequence change replaces asparagine, which is neutral and polar, with serine, which is neutral and polar, at codon 634 of the FBN2 protein (p.Asn634Ser). This variant is not present in population databases (gnomAD no frequency). This missense change has been observed in individuals with clinical features of congenital contractural arachnodactyly (internal data). ClinVar contains an entry for this variant (Variation ID: 528425). Invitae Evidence Modeling of protein sequence and biophysical properties (such as structural, functional, and spatial information, amino acid conservation, physicochemical variation, residue mobility, and thermodynamic stability) indicates that this missense variant is expected to disrupt FBN2 protein function with a positive predictive value of 80%. In summary, the available evidence is currently insufficient to determine the role of this variant in disease. Therefore, it has been classified as a Variant of Uncertain Significance.

GeneDx
Classification: Uncertain significance. Last evaluated: 2021-05-25. Review status: criteria provided, single submitter. Criteria: GeneDx Variant Classification Process June 2021. Collection method: clinical testing. Allele origin: germline. Affected: yes.
Comment: Has not been previously published as pathogenic or benign to our knowledge; Not observed at significant frequency in large population cohorts (Lek et al., 2016); In silico analysis, which includes protein predictors and evolutionary conservation, supports a deleterious effect; Although located in a calcium-binding EGF-like domain of the FBN2 gene, it does not affect a cysteine residue within this domain; cysteine substitutions in the calcium-binding EGF-like domains represent the majority of pathogenic missense changes associated with FBN2-related disorders (Frederic et al., 2009); Reported in ClinVar but additional evidence is not available (ClinVar Variant ID# 528425; Landrum et al., 2016); This variant is associated with the following publications: (PMID: 18767143)

Ambry Genetics
Classification: Uncertain significance for Familial thoracic aortic aneurysm and aortic dissection. Last evaluated: 2021-04-30. Review status: criteria provided, single submitter. Criteria: Ambry Variant Classification Scheme 2023. Collection method: clinical testing. Allele origin: germline.
Comment: The p.N634S variant (also known as c.1901A>G), located in coding exon 14 of the FBN2 gene, results from an A to G substitution at nucleotide position 1901. The asparagine at codon 634 is replaced by serine, an amino acid with highly similar properties, and is located in the cbEGF-like #06 domain. This amino acid position is highly conserved in available vertebrate species. In addition, the in silico prediction for this alteration is inconclusive. Since supporting evidence is limited at this time, the clinical significance of this alteration remains unclear.

NM_001999.4(FBN2):c.1901A>G (p.Asn634Ser)

Gene: FBN2 (fibrillin 2; minus strand). Cytogenetic location: 5q23.3.
Variant type: single nucleotide variant.
Coding change: c.1901A>G on transcript NM_001999.4 (MANE Select); coding-DNA position 1901, A replaced by G.
Protein change: p.Asn634Ser; replaces asparagine 634 with serine.
Molecular consequence: missense variant.
Genome position (GRCh38, 1-based): chr5:128,376,802, T>C on the plus strand (A>G on the coding strand, the complement: FBN2 is on the minus strand). VCF-style: chr5-128376802-T-C. GRCh37 (hg19) VCF-style: chr5-127712495-T-C.
Other names: short protein forms N634S.
Identifiers: ClinVar variation 528425 (VCV000528425.16), dbSNP rs748715881, ClinGen allele CA127023081.